The following is an entry in ClinVar:

NM_000388.4(CASR):c.2783A>G (p.Glu928Gly)

Gene: CASR (calcium sensing receptor; plus strand). Cytogenetic location: 3q21.1.
Variant type: single nucleotide variant.
Coding change: c.2783A>G on transcript NM_000388.4 (MANE Select); coding-DNA position 2783, A replaced by G.
Protein change: p.Glu928Gly; replaces glutamic acid 928 with glycine.
Molecular consequence: missense variant.
Genome position (GRCh38, 1-based): chr3:122,284,737, A>G. VCF-style: chr3-122284737-A-G. GRCh37 (hg19) VCF-style: chr3-122003584-A-G.
Other names: c.2813A>G, p.Glu938Gly (NM_001178065.2); short protein forms E928G, E938G.
Identifiers: ClinVar variation 1721328 (VCV001721328.6), dbSNP rs2473281901, ClinGen allele CA354160756.

ClinVar aggregate classification (germline): Uncertain significance (1 of 4 stars; one submission).

Conditions:
Familial hypocalciuric hypercalcemia (FHH). Also called: Familial benign hypercalcemia. Identifiers: Orphanet 405, MedGen C1809471, MONDO:0018458.
Autosomal dominant hypocalcemia 1 (HYPOC1). Also called: HYPOCALCEMIA, FAMILIAL. Identifiers: MedGen C3715128, MONDO:0011013, OMIM 601198.

Submission:

Labcorp Genetics (formerly Invitae), Labcorp
Classification: Uncertain significance for Familial hypocalciuric hypercalcemia; Autosomal dominant hypocalcemia 1. Last evaluated: 2022-10-09. Review status: criteria provided, single submitter. Criteria: Invitae Variant Classification Sherloc (09022015). Collection method: clinical testing. Allele origin: germline.
Comment: This sequence change replaces glutamic acid, which is acidic and polar, with glycine, which is neutral and non-polar, at codon 928 of the CASR protein (p.Glu928Gly). This variant is not present in population databases (gnomAD no frequency). This variant has not been reported in the literature in individuals affected with CASR-related conditions. Algorithms developed to predict the effect of missense changes on protein structure and function (SIFT, PolyPhen-2, Align-GVGD) all suggest that this variant is likely to be tolerated. In summary, the available evidence is currently insufficient to determine the role of this variant in disease. Therefore, it has been classified as a Variant of Uncertain Significance.